The following is an entry in ClinVar:

ClinVar aggregate classification (germline): Uncertain significance (1 of 4 stars; one submission).

gnomAD v4.1: 4 of 1,609,392 alleles (0.00025%); highest among the groups gnomAD compares: South Asian, 0.0034%; no homozygotes.

Submission:

Ambry Genetics
Classification: Uncertain significance. Last evaluated: 2022-03-04. Review status: criteria provided, single submitter. Criteria: Ambry Variant Classification Scheme 2023. Collection method: clinical testing. Allele origin: germline.
Comment: The p.I779S variant (also known as c.2336T>G), located in coding exon 15 of the RINT1 gene, results from a T to G substitution at nucleotide position 2336. The isoleucine at codon 779 is replaced by serine, an amino acid with dissimilar properties. This amino acid position is conserved. In addition, the in silico prediction for this alteration is inconclusive. Since supporting evidence is limited at this time, the clinical significance of this alteration remains unclear.

NM_021930.6(RINT1):c.2336T>G (p.Ile779Ser)

Genes: EFCAB10 (EF-hand calcium binding domain 10; minus strand), RINT1 (RAD50 interactor 1; plus strand). Cytogenetic location: 7q22.3.
Variant type: single nucleotide variant.
Coding change: c.2336T>G on transcript NM_021930.6 (MANE Select); coding-DNA position 2336, T replaced by G.
Protein change: p.Ile779Ser; replaces isoleucine 779 with serine.
Molecular consequence: missense variant. On other transcripts: 3 prime UTR variant (2), non-coding transcript variant (1), intron variant (3).
Genome position (GRCh38, 1-based): chr7:105,567,268, T>G. VCF-style: chr7-105567268-T-G. GRCh37 (hg19) VCF-style: chr7-105207715-T-G.
Other names: c.*186A>C (NM_001355527.2, NM_001355529.2); c.2102T>G, p.Ile701Ser (NM_001346599.2); c.1313T>G, p.Ile438Ser (NM_001346600.2, NM_001346603.2); c.1412T>G, p.Ile471Ser (NM_001346601.2); c.360-1821A>C (NM_001355531.2); c.383+199A>C (NM_001355526.2, NM_001355530.2); short protein forms I438S, I471S, I701S, I779S.
Identifiers: ClinVar variation 3227648 (VCV003227648.1), dbSNP rs1337308511, ClinGen allele CA368815668.